The following is an entry in ClinVar:

NM_024496.4(IRF2BPL):c.109G>A (p.Gly37Ser)

Genes: IRF2BPL (interferon regulatory factor 2 binding protein like; minus strand), LOC107984638 (uncharacterized LOC107984638; plus strand). Cytogenetic location: 14q24.3.
Variant type: single nucleotide variant.
Coding change: c.109G>A on transcript NM_024496.4 (MANE Select); coding-DNA position 109, G replaced by A.
Protein change: p.Gly37Ser; replaces glycine 37 with serine.
Molecular consequence: missense variant.
Genome position (GRCh38, 1-based): chr14:77,027,684, C>T on the plus strand (G>A on the coding strand, the complement: IRF2BPL is on the minus strand). VCF-style: chr14-77027684-C-T. GRCh37 (hg19) VCF-style: chr14-77494027-C-T.
Other names: short protein forms G37S.
Identifiers: ClinVar variation 1805972 (VCV001805972.1), dbSNP rs1885195582, ClinGen allele CA390501671.

ClinVar aggregate classification (germline): Uncertain significance (1 of 4 stars; one submission).

Conditions:
Neurodevelopmental disorder with regression, abnormal movements, loss of speech, and seizures. Identifiers: Orphanet 597623, MedGen C4748127, MONDO:0060759, OMIM 618088.

Submission:

Victorian Clinical Genetics Services, Murdoch Childrens Research Institute
Classification: Uncertain significance for Neurodevelopmental disorder with regression, abnormal movements, loss of speech, and seizures. Last evaluated: 2020-05-25. Review status: criteria provided, single submitter. Criteria: ACMG Guidelines, 2015. Collection method: clinical testing. Allele origin: germline. Inheritance: Autosomal dominant inheritance.
Comment: Based on the classification scheme VCGS_Germline_v1.1.1, this variant is classified as VUS – 3B. Following criteria are met: 0102 - Loss-of-function is a known mechanism of disease for this gene. (N) 0107 - This gene is known to be associated with autosomal dominant disease. (N) 0200 - Variant is predicted to result in a missense amino acid change from glycine to serine (exon 1). (N) 0251 - Variant is heterozygous. (N) 0301 - Variant is absent from gnomAD. (P) 0502 - Missense variant with conflicting in silico predictions and/or uninformative conservation. (N) 0600 - Variant is located in an annotated domain or motif. Located in the IRF-2BP1_2 domain (PDB, NCBI). (N) 0705 - No comparable variants have previous evidence for pathogenicity. (N) 0807 - Variant has not previously been reported in a clinical context. (N) 0905 - No segregation evidence has been identified for this variant. (N) 1007 - No published functional evidence has been identified for this variant. (N) 1208 - Inheritance information for this variant is not currently available. (N Legend: (P) - Pathogenic, (N) - Neutral, (B) - Benign